The following is an entry in ClinVar:

NM_001256071.3(RNF213):c.8177C>T (p.Thr2726Ile)

Gene: RNF213 (ring finger protein 213; plus strand). Cytogenetic location: 17q25.3.
Variant type: single nucleotide variant.
Coding change: c.8177C>T on transcript NM_001256071.3 (MANE Select); coding-DNA position 8177, C replaced by T.
Protein change: p.Thr2726Ile; replaces threonine 2726 with isoleucine.
Molecular consequence: missense variant.
Genome position (GRCh38, 1-based): chr17:80,346,512, C>T. VCF-style: chr17-80346512-C-T. GRCh37 (hg19) VCF-style: chr17-78320312-C-T.
Other names: c.8324C>T, p.Thr2775Ile (NM_001410195.1, NM_020914.5); short protein forms T2726I, T2775I.
Identifiers: ClinVar variation 4697384 (VCV004697384.1).

ClinVar aggregate classification (germline): Uncertain significance (1 of 4 stars; one submission).

gnomAD v4.1: 15 of 1,613,590 alleles (0.00093%); highest among the groups gnomAD compares: African/African-American, 0.016%; no homozygotes.

Submission:

Labcorp Genetics (formerly Invitae), Labcorp
Classification: Uncertain significance. Last evaluated: 2025-10-01. Review status: criteria provided, single submitter. Criteria: Invitae Variant Classification Sherloc (09022015). Collection method: clinical testing. Allele origin: germline.
Comment: This sequence change replaces threonine, which is neutral and polar, with isoleucine, which is neutral and non-polar, at codon 2726 of the RNF213 protein (p.Thr2726Ile). This variant is not present in population databases (gnomAD no frequency). This variant has not been reported in the literature in individuals affected with RNF213-related conditions. Invitae Evidence Modeling of protein sequence and biophysical properties (such as structural, functional, and spatial information, amino acid conservation, physicochemical variation, residue mobility, and thermodynamic stability) indicates that this missense variant is not expected to disrupt RNF213 protein function with a negative predictive value of 95%. In summary, the available evidence is currently insufficient to determine the role of this variant in disease. Therefore, it has been classified as a Variant of Uncertain Significance.